The following is an entry in ClinVar:

ClinVar aggregate classification (germline): Pathogenic (0 of 4 stars; one submission).

Conditions:
Intellectual developmental disorder, X-linked, syndromic, Billuart type. Also called: MENTAL RETARDATION, X-LINKED 60; X-linked intellectual disability-cerebellar hypoplasia syndrome. Identifiers: Orphanet 137831, MedGen C1845366, MONDO:0010337, OMIM 300486.

Submission:

Institute of Science, Banaras Hindu University
Classification: Pathogenic for Intellectual developmental disorder, X-linked, syndromic, Billuart type. Last evaluated: 2021-11-23. Review status: no assertion criteria provided. Collection method: research. Allele origin: maternal. Inheritance: X-linked inheritance. Affected: yes. Observed: 1 hemizygote.
Comment: Pathogenic variants in the Oligophrenin 1 gene (OPHN1) cause an X-linked intellectual disability syndrome with a phenotype typically consisting of cerebellar hypoplasia, ventriculomegaly, seizures, facial dysmorphism, speech delay and sometimes behavioral difficulties. PCR-Sanger sequencing of cDNA showed a truncating frameshift in the OPHN1 transcript. Further, transcript level analysis of OPHN1 showed a 75% reduction in the total expression in the patient in comparison to controls. Presumably this leads to a similar reduction in the level of OPHN1 protein resulting in the observed phenotype.

Single allele

Gene: OPHN1 (oligophrenin 1; minus strand). Cytogenetic location: Xq12.
Variant type: Duplication.
Identifiers: ClinVar variation 1326263 (VCV001326263.3).